The following is an entry in ClinVar:

NM_001029.5(RPS26):c.3+9T>A

Gene: RPS26 (ribosomal protein S26; plus strand). Cytogenetic location: 12q13.2.
Variant type: single nucleotide variant.
Coding change: c.3+9T>A on transcript NM_001029.5 (MANE Select); 9 bases into the intron after coding-DNA position 3, T replaced by A.
Molecular consequence: intron variant.
Genome position (GRCh38, 1-based): chr12:56,042,178, T>A. VCF-style: chr12-56042178-T-A. GRCh37 (hg19) VCF-style: chr12-56435962-T-A.
Identifiers: ClinVar variation 883851 (VCV000883851.16), dbSNP rs545595719, ClinGen allele CA6621655.

ClinVar aggregate classification (germline): Likely benign. Review status: criteria provided, multiple submitters, no conflicts (2 of 4 stars). 5 submissions from 5 submitters: Likely benign (5). Last evaluated 2025-04-24.

Conditions:
Diamond-Blackfan anemia 10 (DBA10). Also called: RPS26-Related Diamond-Blackfan Anemia. Identifiers: Orphanet 124, MedGen C2750080, MONDO:0013217, OMIM 613309.

Allele frequency attached by ClinVar (database versions not stated): TOPMed 0.00002.
gnomAD v4.1: 32 of 1,614,070 alleles (0.002%); highest among the groups gnomAD compares: Middle Eastern, 0.099%; no homozygotes.

Submissions (5):

Labcorp Genetics (formerly Invitae), Labcorp
Classification: Likely benign for Diamond-Blackfan anemia 10. Last evaluated: 2025-04-24. Review status: criteria provided, single submitter. Criteria: Invitae Variant Classification Sherloc (09022015). Collection method: clinical testing. Allele origin: germline.

Women's Health and Genetics/Laboratory Corporation of America, LabCorp
Classification: Likely benign. Last evaluated: 2024-03-13. Review status: criteria provided, single submitter. Criteria: LabCorp Variant Classification Summary - May 2015. Collection method: clinical testing. Allele origin: germline.

Blueprint Genetics
Classification: Likely benign. Last evaluated: 2023-04-13. Review status: criteria provided, single submitter. Criteria: ACMG Guidelines, 2015. Collection method: clinical testing. Allele origin: germline.

Fulgent Genetics
Classification: Likely benign for Diamond-Blackfan anemia 10. Last evaluated: 2021-10-16. Review status: criteria provided, single submitter. Criteria: ACMG Guidelines, 2015. Collection method: clinical testing. Allele origin: unknown.

Illumina Laboratory Services, Illumina
Classification: Likely benign for Diamond-Blackfan anemia 10. Last evaluated: 2018-01-13. Review status: criteria provided, single submitter. Criteria: ICSL Variant Classification Criteria 13 December 2019. Collection method: clinical testing. Allele origin: germline.
Comment: This variant was observed in the ICSL laboratory as part of a predisposition screen in an ostensibly healthy population. It had not been previously curated by ICSL or reported in the Human Gene Mutation Database (HGMD: prior to June 1st, 2018), and was therefore a candidate for classification through an automated scoring system. Utilizing variant allele frequency, disease prevalence and penetrance estimates, and inheritance mode, an automated score was calculated to assess if this variant is too frequent to cause the disease. Based on the score and internal cut-off values, a variant classified as likely benign is not then subjected to further curation. The score for this variant resulted in a classification of likely benign for this disease.